The following is an entry in ClinVar:

NM_001267550.2(TTN):c.70796A>T (p.Glu23599Val)

Genes: TTN-AS1 (TTN antisense RNA 1; plus strand), TTN (titin; minus strand). Cytogenetic location: 2q31.2.
Variant type: single nucleotide variant.
Coding change: c.70796A>T on transcript NM_001267550.2 (MANE Select); coding-DNA position 70796, A replaced by T.
Protein change: p.Glu23599Val; replaces glutamic acid 23599 with valine.
Molecular consequence: missense variant.
Genome position (GRCh38, 1-based): chr2:178,575,336, T>A on the plus strand (A>T on the coding strand, the complement: TTN is on the minus strand). VCF-style: chr2-178575336-T-A. GRCh37 (hg19) VCF-style: chr2-179440063-T-A.
Other names: c.63092A>T, p.Glu21031Val (NM_133378.4); c.65873A>T, p.Glu21958Val (NM_001256850.1); c.43601A>T, p.Glu14534Val (NM_003319.4); c.43976A>T, p.Glu14659Val (NM_133432.3); c.44177A>T, p.Glu14726Val (NM_133437.4); short protein forms E21031V, E23599V, E14534V, E14659V, E14726V, E21958V.
Identifiers: ClinVar variation 165856 (VCV000165856.5), dbSNP rs727503568, ClinGen allele CA178530.

ClinVar aggregate classification (germline): Uncertain significance (1 of 4 stars; one submission).

Submission:

Laboratory for Molecular Medicine, Mass General Brigham Personalized Medicine
Classification: Uncertain significance. Last evaluated: 2014-04-17. Review status: criteria provided, single submitter. Criteria: LMM Criteria. Collection method: clinical testing. Allele origin: germline. Observed: 1 variant allele.
Comment: The Glu21031Val variant in TTN has not been previously reported in individuals w ith cardiomyopathy or in large population studies. Computational prediction tool s and conservation analysis do not provide strong support for or against an impa ct to the protein. In summary, additional information is needed to fully assess the clinical significance of the Glu21031Val variant.